The following is an entry in ClinVar:

ClinVar aggregate classification (germline): Conflicting classifications of pathogenicity. Review status: criteria provided, conflicting classifications (1 of 4 stars). 2 submissions from 2 submitters: Uncertain significance (1); Likely benign (1). Last evaluated 2025-02-10.

Allele frequency attached by ClinVar (database versions not stated): gnomAD exomes 0.00002 and 0.00003; ExAC 0.00003; gnomAD 0.00003 and 0.00004; TOPMed 0.00004.
gnomAD v4.1: 29 of 1,614,114 alleles (0.0018%); highest among the groups gnomAD compares: African/African-American, 0.0053%; no homozygotes.

Submissions (2):

Labcorp Genetics (formerly Invitae), Labcorp
Classification: Uncertain significance. Last evaluated: 2025-02-10. Review status: criteria provided, single submitter. Criteria: Invitae Variant Classification Sherloc (09022015). Collection method: clinical testing. Allele origin: germline.
Comment: This sequence change replaces valine, which is neutral and non-polar, with methionine, which is neutral and non-polar, at codon 613 of the TNFAIP3 protein (p.Val613Met). This variant is present in population databases (rs778025601, gnomAD 0.009%). This variant has not been reported in the literature in individuals affected with TNFAIP3-related conditions. ClinVar contains an entry for this variant (Variation ID: 1448305). Invitae Evidence Modeling of protein sequence and biophysical properties (such as structural, functional, and spatial information, amino acid conservation, physicochemical variation, residue mobility, and thermodynamic stability) indicates that this missense variant is not expected to disrupt TNFAIP3 protein function with a negative predictive value of 80%. In summary, the available evidence is currently insufficient to determine the role of this variant in disease. Therefore, it has been classified as a Variant of Uncertain Significance.

Blueprint Genetics
Classification: Likely benign. Last evaluated: 2024-05-02. Review status: criteria provided, single submitter. Criteria: ACMG Guidelines, 2015. Collection method: clinical testing. Allele origin: germline.

NM_001270508.2(TNFAIP3):c.1837G>A (p.Val613Met)

Gene: TNFAIP3 (TNF alpha induced protein 3; plus strand). Cytogenetic location: 6q23.3.
Variant type: single nucleotide variant.
Coding change: c.1837G>A on transcript NM_001270508.2 (MANE Select); coding-DNA position 1837, G replaced by A.
Protein change: p.Val613Met; replaces valine 613 with methionine.
Molecular consequence: missense variant.
Genome position (GRCh38, 1-based): chr6:137,879,282, G>A. VCF-style: chr6-137879282-G-A. GRCh37 (hg19) VCF-style: chr6-138200419-G-A.
Other names: c.1837G>A, p.Val613Met (NM_001270507.2, NM_006290.4); short protein forms V613M.
Identifiers: ClinVar variation 1448305 (VCV001448305.8), dbSNP rs778025601, ClinGen allele CA4019721.